The following is an entry in ClinVar:

ClinVar aggregate classification (germline): Uncertain significance (1 of 4 stars; one submission).

Conditions:
LAMA2-related muscular dystrophy (LAMA2-RD). Also called: Laminin alpha 2-related dystrophy. Identifiers: MedGen C5679788, MONDO:0100228.

Submission:

Labcorp Genetics (formerly Invitae), Labcorp
Classification: Uncertain significance for LAMA2-related muscular dystrophy. Last evaluated: 2022-05-02. Review status: criteria provided, single submitter. Criteria: Invitae Variant Classification Sherloc (09022015). Collection method: clinical testing. Allele origin: germline.
Comment: This sequence change replaces valine, which is neutral and non-polar, with methionine, which is neutral and non-polar, at codon 1324 of the LAMA2 protein (p.Val1324Met). This variant is not present in population databases (gnomAD no frequency). This variant has not been reported in the literature in individuals affected with LAMA2-related conditions. In summary, the available evidence is currently insufficient to determine the role of this variant in disease. Therefore, it has been classified as a Variant of Uncertain Significance. Advanced modeling of protein sequence and biophysical properties (such as structural, functional, and spatial information, amino acid conservation, physicochemical variation, residue mobility, and thermodynamic stability) performed at Invitae indicates that this missense variant is not expected to disrupt LAMA2 protein function.

NM_000426.4(LAMA2):c.3970G>A (p.Val1324Met)

Gene: LAMA2 (laminin subunit alpha 2; plus strand). Cytogenetic location: 6q22.33.
Variant type: single nucleotide variant.
Coding change: c.3970G>A on transcript NM_000426.4 (MANE Select); coding-DNA position 3970, G replaced by A.
Protein change: p.Val1324Met; replaces valine 1324 with methionine.
Molecular consequence: missense variant.
Genome position (GRCh38, 1-based): chr6:129,316,083, G>A. VCF-style: chr6-129316083-G-A. GRCh37 (hg19) VCF-style: chr6-129637228-G-A.
Other names: c.3970G>A, p.Val1324Met (NM_001079823.2); short protein forms V1324M.
Identifiers: ClinVar variation 2133064 (VCV002133064.4), dbSNP rs2482418680, ClinGen allele CA365613686.